The following is an entry in ClinVar:

NM_000720.4(CACNA1D):c.1529G>T (p.Arg510Leu)

Gene: CACNA1D (calcium voltage-gated channel subunit alpha1 D; plus strand). Cytogenetic location: 3p21.1.
Variant type: single nucleotide variant.
Coding change: c.1529G>T on transcript NM_000720.4 (MANE Plus Clinical); coding-DNA position 1529, G replaced by T.
Protein change: p.Arg510Leu; replaces arginine 510 with leucine.
Molecular consequence: missense variant. On other transcripts: intron variant (2).
Genome position (GRCh38, 1-based): chr3:53,718,732, G>T. VCF-style: chr3-53718732-G-T. GRCh37 (hg19) VCF-style: chr3-53752759-G-T.
Other names: c.1478+344G>T (NM_001128840.3, NM_001128839.3); short protein forms R510L.
Identifiers: ClinVar variation 2317096 (VCV002317096.6), dbSNP rs1325536642, ClinGen allele CA353236198.

ClinVar aggregate classification (germline): Uncertain significance. Review status: criteria provided, multiple submitters, no conflicts (2 of 4 stars). 3 submissions from 3 submitters: Uncertain significance (3). Last evaluated 2024-11-21.

Conditions:
Inborn genetic diseases. Identifiers: MedGen C0950123, MeSH D030342.

gnomAD v4.1: 18 of 1,555,548 alleles (0.0012%); highest among the groups gnomAD compares: Non-Finnish European, 0.0016%; no homozygotes.

Submissions (3):

Blueprint Genetics
Classification: Uncertain significance. Last evaluated: 2024-11-21. Review status: criteria provided, single submitter. Criteria: ACMG Guidelines, 2015. Collection method: clinical testing. Allele origin: germline.

Labcorp Genetics (formerly Invitae), Labcorp
Classification: Uncertain significance. Last evaluated: 2023-12-19. Review status: criteria provided, single submitter. Criteria: Invitae Variant Classification Sherloc (09022015). Collection method: clinical testing. Allele origin: germline.
Comment: This sequence change replaces arginine, which is basic and polar, with leucine, which is neutral and non-polar, at codon 510 of the CACNA1D protein (p.Arg510Leu). The frequency data for this variant in the population databases is considered unreliable, as metrics indicate poor data quality at this position in the gnomAD database. This variant has not been reported in the literature in individuals affected with CACNA1D-related conditions. ClinVar contains an entry for this variant (Variation ID: 2317096). Algorithms developed to predict the effect of missense changes on protein structure and function output the following: SIFT: "Not Available"; PolyPhen-2: "Benign"; Align-GVGD: "Not Available". The leucine amino acid residue is found in multiple mammalian species, which suggests that this missense change does not adversely affect protein function. In summary, the available evidence is currently insufficient to determine the role of this variant in disease. Therefore, it has been classified as a Variant of Uncertain Significance.

Ambry Genetics
Classification: Uncertain significance for Inborn genetic diseases. Last evaluated: 2022-10-05. Review status: criteria provided, single submitter. Criteria: Ambry Variant Classification Scheme 2023. Collection method: clinical testing. Allele origin: germline.